The following is an entry in ClinVar:

ClinVar aggregate classification (germline): Uncertain significance (1 of 4 stars; one submission).

Conditions:
Familial hemophagocytic lymphohistiocytosis 5. Also called: STXBP2-Related Familial Hemophagocytic Lymphohistiocytosis (STXBP2-fHLH). Identifiers: Orphanet 540, MedGen C2751293, MONDO:0013135, OMIM 613101.

Allele frequency attached by ClinVar (database versions not stated): gnomAD 0.00001; gnomAD exomes 0.00001; ExAC 0.00002.
gnomAD v4.1: 11 of 1,613,494 alleles (0.00068%); highest among the groups gnomAD compares: East Asian, 0.018%; no homozygotes.

Submission:

Labcorp Genetics (formerly Invitae), Labcorp
Classification: Uncertain significance for Familial hemophagocytic lymphohistiocytosis 5. Last evaluated: 2025-11-03. Review status: criteria provided, single submitter. Criteria: Invitae Variant Classification Sherloc (09022015). Collection method: clinical testing. Allele origin: germline.
Comment: This sequence change replaces threonine, which is neutral and polar, with alanine, which is neutral and non-polar, at codon 216 of the STXBP2 protein (p.Thr216Ala). This variant is present in population databases (rs772720500, gnomAD 0.02%). This variant has not been reported in the literature in individuals affected with STXBP2-related conditions. ClinVar contains an entry for this variant (Variation ID: 1948338). Invitae Evidence Modeling of protein sequence and biophysical properties (such as structural, functional, and spatial information, amino acid conservation, physicochemical variation, residue mobility, and thermodynamic stability) indicates that this missense variant is not expected to disrupt STXBP2 protein function with a negative predictive value of 95%. In summary, the available evidence is currently insufficient to determine the role of this variant in disease. Therefore, it has been classified as a Variant of Uncertain Significance.

NM_006949.4(STXBP2):c.646A>G (p.Thr216Ala)

Gene: STXBP2 (syntaxin binding protein 2; plus strand). Cytogenetic location: 19p13.2.
Variant type: single nucleotide variant.
Coding change: c.646A>G on transcript NM_006949.4 (MANE Select); coding-DNA position 646, A replaced by G.
Protein change: p.Thr216Ala; replaces threonine 216 with alanine.
Molecular consequence: missense variant. On other transcripts: non-coding transcript variant (1).
Genome position (GRCh38, 1-based): chr19:7,642,101, A>G. VCF-style: chr19-7642101-A-G. GRCh37 (hg19) VCF-style: chr19-7706987-A-G.
Other names: c.637A>G, p.Thr213Ala (NM_001127396.3); c.679A>G, p.Thr227Ala (NM_001272034.2); c.550A>G, p.Thr184Ala (NM_001414484.1); short protein forms T216A, T184A, T227A, T213A.
Identifiers: ClinVar variation 1948338 (VCV001948338.3), dbSNP rs772720500, ClinGen allele CA9143739.